The following is an entry in ClinVar:

ClinVar aggregate classification (germline): Uncertain significance (1 of 4 stars; one submission).

Conditions:
BCAP31-related disorder. Also called: BCAP31-related condition.

gnomAD v4.1: 3 of 1,168,270 alleles (0.00026%); highest among the groups gnomAD compares: East Asian, 0.0032%; no homozygotes.

Submission:

PreventionGenetics, part of Exact Sciences
Classification: Uncertain significance for BCAP31-related condition. Last evaluated: 2026-08-12. Review status: criteria provided, single submitter. Criteria: ACMG Guidelines, 2015. Collection method: clinical testing. Allele origin: germline.
Comment: The BCAP31 c.86C>T variant is predicted to result in the amino acid substitution p.Ser29Leu. To our knowledge, this variant has not been reported in the literature. This variant is reported in 0.012% of alleles in individuals of East Asian descent in gnomAD, including two hemizygotes in the larger gnomAD v4.1.1 database. Although we suspect that this variant may be benign, at this time, the clinical significance of this variant is uncertain due to the absence of conclusive functional and genetic evidence.

NM_001256447.2(BCAP31):c.-44-291C>T

Gene: BCAP31 (B cell receptor associated protein 31; minus strand). Cytogenetic location: Xq28.
Variant type: single nucleotide variant.
Coding change: c.-44-291C>T on transcript NM_001256447.2 (MANE Select); 291 bases into the intron before 44 bases upstream of the start codon, C replaced by T.
Molecular consequence: intron variant. On other transcripts: missense variant (1).
Genome position (GRCh38, 1-based): chrX:153,723,579, G>A on the plus strand (C>T on the coding strand, the complement: BCAP31 is on the minus strand). VCF-style: chrX-153723579-G-A. GRCh37 (hg19) VCF-style: chrX-152989034-G-A.
Other names: c.86C>T, p.Ser29Leu (NM_001139457.2); c.-44-291C>T (NM_005745.8, NM_001139441.1); short protein forms S29L.
Identifiers: ClinVar variation 4983201 (VCV004983201.1).